The following continues an entry in ClinVar:

NM_002834.5(PTPN11):c.188A>G (p.Tyr63Cys)

Gene: PTPN11. ClinVar aggregate classification (germline): Pathogenic. Pathogenic (1). ClinVar aggregate classification (somatic clinical impact): Tier II - Potential.

Submissions 7 to 16 of 59:

Victorian Clinical Genetics Services, Murdoch Childrens Research Institute
Classification: Pathogenic for Noonan syndrome 1. Last evaluated: 2025-08-18. Review status: criteria provided, single submitter. Criteria: ACMG Guidelines, 2015. Collection method: clinical testing. Allele origin: germline. Affected: yes. Not counted in ClinVar's aggregate classification.
Comment: This variant is classified as Pathogenic. Evidence in support of pathogenic classification: Variant is present in gnomAD (v2) <0.001 for a dominant condition (3 heterozygotes, 0 homozygotes); The variant has strong previous evidence of pathogenicity in unrelated individuals with Noonan syndrome. It is a 3-star pathogenic variant in ClinVar (reviewed by the ClinGen RASopathy Variant Curation Expert Panel), and is reported in the literature in individuals with Noonan syndrome (PMIDs: 11704759; 12325025; 12634870); The variant has strong evidence for segregation with disease in multiple families (PMID: 12325025; 12634870); Variant is located in a hotspot region or cluster of pathogenic variants (N-SH2 domain; DECIPHER); Missense variant consistently predicted to be damaging by multiple in silico tools and is highly conserved with a major amino acid change. Additional information: Variant is predicted to result in a missense amino acid change from tyrosine to cysteine; This variant is heterozygous; This gene is known to be associated with autosomal dominant disease; Both loss of function and gain of function are known mechanisms of disease for this gene. Metachondromatosis (MIM#156250), and Noonan syndrome with multiple lentigines have been associated with loss of function variants, whereas Noonan syndrome 1 (MIM#163950) is caused by gain of function variants (PMIDs: 11992261, 24935154, 21533187); Variants in this gene are known to have variable expressivity (PMID: 20301303).

Dasa
Classification: Pathogenic. Last evaluated: 2024-11-19. Review status: criteria provided, single submitter. Criteria: DASA Assertion Criteria. Collection method: clinical testing. Allele origin: germline. Not counted in ClinVar's aggregate classification.
Comment: NM_002834.5(PTPN11):c.188A>G (p.Tyr63Cys) is a missense variant that results in the substitution of tyrosine with cysteine. The affected residue or protein region has prior evidence supporting clinical relevance. Segregation evidence has been reported in affected families. Functional evidence supports a deleterious effect on the gene or gene product (PMID: 22711529; PMID: 12634870; PMID: 12325025; PMID: 32164556; PMID: 16498234). This variant has been recurrently observed in individuals with related phenotype (PMID: 22711529; PMID: 12634870; PMID: 12325025; PMID: 32164556; PMID: 16498234). Multiple computational predictions support a deleterious effect on the gene or gene product. Based on the available data, this variant is classified as pathogenic.

Blueprint Genetics
Classification: Pathogenic for PTPN11-related disorders. Last evaluated: 2024-11-18. Review status: criteria provided, single submitter. Criteria: ACMG Guidelines, 2015. Collection method: clinical testing. Allele origin: germline. Affected: yes. Observed: 5 variant alleles. Not counted in ClinVar's aggregate classification.

Molecular Diagnostics Laboratory, Catalan Institute of Oncology
Classification: Pathogenic for Hereditary cancer-predisposing syndrome. Last evaluated: 2024-09-16. Review status: criteria provided, single submitter. Criteria: ACMG Guidelines, 2015. Collection method: clinical testing. Allele origin: germline. Not counted in ClinVar's aggregate classification.
Comment: PS4, PP1_strong, PM1, PS3_supporting, PP2, PP3 c.188A>G, located in exon 3 of the PTPN11 gene, is predicted to result in the substitution of tyrosine by cysteine at codon 63, p.(Tyr63Cys). This variant is found in 3/236472 alleles at a frequency of 0.001% in the gnomAD v2.1.1 database, non-cancer dataset. It has been observed in multiple affected individuals (PMID: 16498234, 12634870, 12325025, 11704759) (PS4, PP1_strong). This position affects a (potentially) clinically important functional domain (PM1). PTPN11 gene has a low rate of benign missense variants (PP2). The SpliceAI algorithm predicts no significant impact on splicing. The REVEL meta-predictor score for this variant (0.984) suggests a deleterious effect on protein function according to Pejaver 2022 thresholds (PMID: 36413997) (PP3). In vitro functional assays suggest that the p.Tyr63Cys variant could affect the protein's function (PMID:22711529) (PS3_supporting). This variant has been reported in the ClinVar database (46x pathogenic, 1x likely pathogenic), and in the LOVD database (21x likely pathogenic, 5x pathogenic), furthermore, it has been classified by the ClinGen RASopathy Variant Curation Expert Panel as pathogenic. Based on currently available information, the variant c.188A>G should be considered a pathogenic variant.

Institute of Immunology and Genetics Kaiserslautern
Classification: Pathogenic for Noonan syndrome 1. Last evaluated: 2024-08-29. Review status: criteria provided, single submitter. Criteria: ACMG Guidelines, 2015. Collection method: clinical testing. Allele origin: germline. Affected: yes. Not counted in ClinVar's aggregate classification.
Comment: ACMG Criteria: PS1, PS3, PS4, PM1, PM2_P, PP1, PP3, PP5; Variant was found in heterozygous state

3billion
Classification: Pathogenic for Noonan syndrome 1. Last evaluated: 2024-06-27. Review status: criteria provided, single submitter. Criteria: ACMG Guidelines, 2015. Collection method: clinical testing. Allele origin: germline. Affected: yes. Not counted in ClinVar's aggregate classification.
Comment: The variant is observed at an extremely low frequency in the gnomAD v4.0.0 dataset (total allele frequency: <0.001%). Predicted Consequence/Location: The variant is located in a mutational hot spot and/or well-established functional domain in which established pathogenic variants have been reported. Missense changes are a common disease-causing mechanism. Functional studies provide strong evidence of the variant having a damaging effect on the gene or gene product (PMID: 22711529). In silico tool predictions suggest damaging effect of the variant on gene or gene product [REVEL: 0.95 (>=0.6, sensitivity 0.68 and specificity 0.92); 3Cnet: 0.96 (>=0.6, sensitivity 0.72 and precision 0.9)]. The variant has been reported to co-segregate with the disease in at least 7 similarly affected relatives/individuals in at least two unrelated families (PMID: 11704759, 12325025, 12634870, 16498234). Therefore, this variant is classified as Pathogenic according to the recommendation of ACMG/AMP guideline.

Division of Genetic & Genomic Pathology, Hong Kong Children's Hospital
Classification: Pathogenic for Noonan syndrome. Last evaluated: 2024-06-19. Review status: criteria provided, single submitter. Criteria: ACMG Guidelines, 2015. Collection method: clinical testing. Allele origin: germline. Affected: yes. Not counted in ClinVar's aggregate classification.
Comment: PTPN11 c.188A>G p.(Tyr63Cys) variant has been classified as pathogenic by the ClinGen RASopathy Variant Curation Expert Panel (ClinVar accession: VCV000013333.85, PMID: 29493581).

Cambridge Genomics Laboratory, East Genomic Laboratory Hub, NHS Genomic Medicine Service
Classification: Pathogenic for Monogenic short stature. Last evaluated: 2024-02-12. Review status: criteria provided, single submitter. Criteria: ACGS Best Practice Guidelines for Variant Classification in Rare Disease 2020. Collection method: clinical testing. Allele origin: germline. Affected: yes. Not counted in ClinVar's aggregate classification.
Comment: The gene PTPN11 has a low rate of benign missense variation as indicated by a high missense variants Z-Score of 3.13. The gene PTPN11 contains 144 pathogenic missense variants, indicating that missense variants are a common mechanism of disease in this gene. (PP2 - Supporting) | 28 variants within 6 amino acid positions of the variant p.Tyr63Cys have been shown to be pathogenic, while none have been shown to be benign. (PM1 - Moderate) | The p.Tyr63Cys missense variant is predicted to be damaging by both SIFT and PolyPhen2. The tyrosine residue at codon 63 of PTPN11 is conserved in all mammalian species. The nucleotide c.188 in PTPN11 is predicted conserved by GERP++ and PhyloP across 100 vertebrates. (PP3 - Supporting) | Functional studies demonstrate that this variant has a damaging effect on the gene or gene product (PS3 - Strong) | The variant cosegregates with the disease in multiple affected family members. (PP1_Strong - Strong)

Laboratoire de Génétique Moléculaire, CHU Bordeaux
Classification: Pathogenic for Noonan syndrome 1. Last evaluated: 2024-01-04. Review status: criteria provided, single submitter. Criteria: ACMG Guidelines, 2015. Collection method: clinical testing. Allele origin: germline. Affected: yes. Not counted in ClinVar's aggregate classification.

Clinical Genetics Laboratory, Skane University Hospital Lund
Classification: Pathogenic. Last evaluated: 2023-08-21. Review status: criteria provided, single submitter. Criteria: ACMG Guidelines, 2015. Collection method: clinical testing. Allele origin: germline. Affected: yes. Not counted in ClinVar's aggregate classification.